The following is an entry in ClinVar:

ClinVar aggregate classification (germline): Uncertain significance (1 of 4 stars; one submission).

Conditions:
Hereditary cancer-predisposing syndrome. Also called: Neoplastic Syndromes, Hereditary; Hereditary Cancer Syndrome; Hereditary neoplastic syndrome; Tumor predisposition. Identifiers: Orphanet 140162, MedGen C0027672, MeSH D009386, MONDO:0015356.

Submission:

Ambry Genetics
Classification: Uncertain significance for Hereditary cancer-predisposing syndrome. Last evaluated: 2023-05-26. Review status: criteria provided, single submitter. Criteria: Ambry Variant Classification Scheme 2023. Collection method: clinical testing. Allele origin: germline.
Comment: The p.V580L variant (also known as c.1738G>T), located in coding exon 13 of the PTCH1 gene, results from a G to T substitution at nucleotide position 1738. The valine at codon 580 is replaced by leucine, an amino acid with highly similar properties. This amino acid position is conserved. In addition, this alteration is predicted to be deleterious by in silico analysis. Since supporting evidence is limited at this time, the clinical significance of this alteration remains unclear.

NM_000264.5(PTCH1):c.1738G>T (p.Val580Leu)

Genes: PTCH1 (patched 1; minus strand), LOC100507346 (uncharacterized LOC100507346; plus strand). Cytogenetic location: 9q22.32.
Variant type: single nucleotide variant.
Coding change: c.1738G>T on transcript NM_000264.5 (MANE Select); coding-DNA position 1738, G replaced by T.
Protein change: p.Val580Leu; replaces valine 580 with leucine.
Molecular consequence: missense variant. On other transcripts: non-coding transcript variant (2).
Genome position (GRCh38, 1-based): chr9:95,469,922, C>A on the plus strand (G>T on the coding strand, the complement: PTCH1 is on the minus strand). VCF-style: chr9-95469922-C-A. GRCh37 (hg19) VCF-style: chr9-98232204-C-A.
Other names: c.1540G>T, p.Val514Leu (NM_001083602.3); c.1735G>T, p.Val579Leu (NM_001083603.3); c.1285G>T, p.Val429Leu (NM_001083604.3, NM_001083605.3, NM_001083606.3 and 1 more transcripts); c.1582G>T, p.Val528Leu (NM_001354918.2); short protein forms V429L, V579L, V514L, V580L, V528L.
Identifiers: ClinVar variation 2560640 (VCV002560640.2), dbSNP rs1840408569, ClinGen allele CA374116460.
Genomic context (GRCh38, chr9:95,469,922, plus strand): 5'-AATCCATGCTGAGAATTGCAGGAAAAATGAGCAGAACCATGGCAAAATTGAACACCACTA[C>A]TACCGCTGCCTGGGAGCAGAAAAAAAATTCAGAGGTCACCAACATGCCTCCGCCCAATCA-3'
Protein context (NP_000255.2, residues 570-590): LRAFSLQAAV[Val580Leu]VVFNFAMVLL